The following is an entry in ClinVar:

ClinVar aggregate classification (germline): Pathogenic. Review status: criteria provided, multiple submitters, no conflicts (2 of 4 stars). 2 submissions from 2 submitters: Pathogenic (2). Last evaluated 2022-09-22.

Conditions:
Ichthyosis linearis circumflexa. Identifiers: MedGen C0265962, MONDO:0043106, HP:0025810.
Netherton syndrome (NETH). Also called: NETHERTON DISEASE; ERYTHRODERMA, ICHTHYOSIFORM, WITH HYPOTRICHOSIS AND HYPER-IgE; COMEL-NETHERTON SYNDROME. Identifiers: Orphanet 634, MedGen C5574950, MONDO:0009735, OMIM 256500.

Allele frequency attached by ClinVar (database versions not stated): gnomAD exomes below 0.00001.

Submissions (2):

Labcorp Genetics (formerly Invitae), Labcorp
Classification: Pathogenic for Ichthyosis linearis circumflexa. Last evaluated: 2022-09-22. Review status: criteria provided, single submitter. Criteria: Invitae Variant Classification Sherloc (09022015). Collection method: clinical testing. Allele origin: germline.
Comment: For these reasons, this variant has been classified as Pathogenic. Algorithms developed to predict the effect of sequence changes on RNA splicing suggest that this variant may disrupt the consensus splice site. ClinVar contains an entry for this variant (Variation ID: 956463). This variant is also known as p.Gln333X. This premature translational stop signal has been observed in individual(s) with Netherton syndrome (PMID: 21564178). It has also been observed to segregate with disease in related individuals. This variant is not present in population databases (gnomAD no frequency). This sequence change creates a premature translational stop signal (p.Gln334*) in the SPINK5 gene. It is expected to result in an absent or disrupted protein product. Loss-of-function variants in SPINK5 are known to be pathogenic (PMID: 11511292, 11841556).

Laboratorio de Genetica e Diagnostico Molecular, Hospital Israelita Albert Einstein
Classification: Pathogenic for Netherton syndrome. Last evaluated: 2022-08-24. Review status: criteria provided, single submitter. Criteria: ACMG Guidelines, 2015. Collection method: clinical testing. Allele origin: germline. Affected: yes. Observed: 1 variant allele.
Comment: ACMG classification criteria: PVS1 very strong, PS4 strong, PM2 moderated, PP1 strong, PP4

Literature cited by the submitters: PubMed 21564178 (cited by Labcorp Genetics (formerly Invitae), Labcorp); PubMed 11511292 (cited by Labcorp Genetics (formerly Invitae), Labcorp); PubMed 11841556 (cited by Labcorp Genetics (formerly Invitae), Labcorp).

NM_006846.4(SPINK5):c.1000C>T (p.Gln334Ter)

Gene: SPINK5 (serine peptidase inhibitor Kazal type 5; plus strand). Cytogenetic location: 5q32.
Variant type: single nucleotide variant.
Coding change: c.1000C>T on transcript NM_006846.4 (MANE Select); coding-DNA position 1000, C replaced by T.
Protein change: p.Gln334Ter; replaces glutamine 334 with a stop codon.
Molecular consequence: nonsense.
Genome position (GRCh38, 1-based): chr5:148,097,984, C>T. VCF-style: chr5-148097984-C-T. GRCh37 (hg19) VCF-style: chr5-147477547-C-T.
Other names: c.1000C>T, p.Gln334Ter (NM_001127698.2, NM_001127699.2); short protein forms Q334*.
Identifiers: ClinVar variation 956463 (VCV000956463.11), dbSNP rs924297783, ClinGen allele CA128916087.